The following is an entry in ClinVar:

ClinVar aggregate classification (germline): Uncertain significance. Review status: criteria provided, single submitter (1 of 4 stars). 2 submissions from 2 submitters: Uncertain significance (1). 1 of the submissions does not count toward it. Last evaluated 2025-01-02.

Conditions:
PHF3-related disorder. Also called: PHF3-related condition.

gnomAD v4.1: 15 of 1,613,240 alleles (0.00093%); highest among the groups gnomAD compares: Admixed American, 0.017%; no homozygotes.

Submissions (2):

Ambry Genetics
Classification: Uncertain significance. Last evaluated: 2025-01-02. Review status: criteria provided, single submitter. Criteria: Ambry Variant Classification Scheme 2023. Collection method: clinical testing. Allele origin: germline.

PreventionGenetics, part of Exact Sciences
Classification: Uncertain significance for PHF3-related condition. Last evaluated: 2024-04-17. Review status: no assertion criteria provided. Collection method: clinical testing. Allele origin: germline. Not counted in ClinVar's aggregate classification.
Comment: The PHF3 c.4748A>C variant is predicted to result in the amino acid substitution p.Glu1583Ala. To our knowledge, this variant has not been reported in the literature. This variant is reported in 0.0029% of alleles in individuals of Latino descent in gnomAD. At this time, the clinical significance of this variant is uncertain due to the absence of conclusive functional and genetic evidence.

NM_001370348.2(PHF3):c.4748A>C (p.Glu1583Ala)

Gene: PHF3 (PHD finger protein 3; plus strand). Cytogenetic location: 6q12.
Variant type: single nucleotide variant.
Coding change: c.4748A>C on transcript NM_001370348.2 (MANE Select); coding-DNA position 4748, A replaced by C.
Protein change: p.Glu1583Ala; replaces glutamic acid 1583 with alanine.
Molecular consequence: missense variant.
Genome position (GRCh38, 1-based): chr6:63,712,336, A>C. VCF-style: chr6-63712336-A-C. GRCh37 (hg19) VCF-style: chr6-64422232-A-C.
Other names: c.4484A>C, p.Glu1495Ala (NM_001290259.2, NM_001370349.2); c.2555A>C, p.Glu852Ala (NM_001370350.2); c.4748A>C, p.Glu1583Ala (NM_015153.4); c.4748A>C (NM_015153.2); short protein forms E1495A, E1583A, E852A.
Identifiers: ClinVar variation 3351627 (VCV003351627.2).
Genomic context (GRCh38, chr6:63,712,336, plus strand): 5'-AGCCACCAGATGTTTCTACAGAAGCATTTTTAACAAATTTATCAATTCAGTCAAAACAAG[A>C]GGAAACTGTGGAGAGTAAAGAGAAAACATTAAAAAGACAGCTTCAGGAAGATCAAGAGAA-3'
Protein context (NP_001357277.1, residues 1573-1593): LTNLSIQSKQ[Glu1583Ala]ETVESKEKTL